The following is an entry in ClinVar:

ClinVar aggregate classification (germline): Uncertain significance (1 of 4 stars; one submission).

Conditions:
Ataxia-telangiectasia syndrome (AT). Also called: ATAXIA-TELANGIECTASIA, COMPLEMENTATION GROUP A; ATAXIA-TELANGIECTASIA, FRESNO VARIANT; Ataxia-telangiectasia; Ataxia-telangiectasia, complementation group E; LOUIS-BAR SYNDROME; Cerebello-oculocutaneous telangiectasia. Identifiers: Orphanet 100, MedGen C0004135, MONDO:0008840, OMIM 208900.

Submission:

Labcorp Genetics (formerly Invitae), Labcorp
Classification: Uncertain significance for Ataxia-telangiectasia syndrome. Last evaluated: 2023-09-08. Review status: criteria provided, single submitter. Criteria: Invitae Variant Classification Sherloc (09022015). Collection method: clinical testing. Allele origin: germline.
Comment: In summary, the available evidence is currently insufficient to determine the role of this variant in disease. Therefore, it has been classified as a Variant of Uncertain Significance. Algorithms developed to predict the effect of sequence changes on RNA splicing suggest that this variant may disrupt the consensus splice site. This variant has not been reported in the literature in individuals affected with ATM-related conditions. This variant is not present in population databases (gnomAD no frequency). This sequence change falls in intron 44 of the ATM gene. It does not directly change the encoded amino acid sequence of the ATM protein.

NM_000051.4(ATM):c.6453-17_6453-16del

Genes: C11orf65 (chromosome 11 open reading frame 65; minus strand), ATM (ATM serine/threonine kinase; plus strand). Cytogenetic location: 11q22.3.
Variant type: Deletion.
Coding change: c.6453-17_6453-16del on transcript NM_000051.4 (MANE Select); 17 bases into the intron before coding-DNA position 6453 through 16 bases into the intron before coding-DNA position 6453, 2 bases deleted (TT; older notation c.6453-17_6453-16delTT).
Molecular consequence: intron variant.
Genome position (GRCh38, 1-based): chr11:108,321,284-108,321,285, TT deleted; deleting any 2 consecutive bases within chr11:108,321,282-108,321,285 gives the same sequence; the c. name uses the placement nearest the transcript's 3' end. VCF-style (leftmost placement, unchanged base first): chr11-108321281-CTT-C. GRCh37 (hg19) VCF-style: chr11-108192008-CTT-C.
Other names: c.6453-17_6453-16del (NM_001351834.2); c.641-12212_641-12211del (NM_001330368.2); c.*39-12212_*39-12211del (NM_001351110.2).
Identifiers: ClinVar variation 2860768 (VCV002860768.3), dbSNP rs2547159965, ClinGen allele CA2739266027.